The following is an entry in ClinVar:

NM_014159.7(SETD2):c.4960A>C (p.Lys1654Gln)

Gene: SETD2 (SET domain containing 2, histone lysine methyltransferase; minus strand). Cytogenetic location: 3p21.31.
Variant type: single nucleotide variant.
Coding change: c.4960A>C on transcript NM_014159.7 (MANE Select); coding-DNA position 4960, A replaced by C.
Protein change: p.Lys1654Gln; replaces lysine 1654 with glutamine.
Molecular consequence: missense variant. On other transcripts: non-coding transcript variant (1).
Genome position (GRCh38, 1-based): chr3:47,101,513, T>G on the plus strand (A>C on the coding strand, the complement: SETD2 is on the minus strand). VCF-style: chr3-47101513-T-G. GRCh37 (hg19) VCF-style: chr3-47143003-T-G.
Other names: c.4828A>C, p.Lys1610Gln (NM_001349370.3); short protein forms K1610Q, K1654Q.
Identifiers: ClinVar variation 3392721 (VCV003392721.2).

ClinVar aggregate classification (germline): Uncertain significance (1 of 4 stars; one submission).

Submission:

GeneDx
Classification: Uncertain significance. Last evaluated: 2025-12-07. Review status: criteria provided, single submitter. Criteria: GeneDx Variant Classification Process June 2021. Collection method: clinical testing. Allele origin: germline.
Comment: Has not been previously published as pathogenic or benign to our knowledge; Not observed at significant frequency in large population cohorts (gnomAD); In silico analysis supports that this missense variant has a deleterious effect on protein structure/function